The following is an entry in ClinVar:

NM_183075.3(CYP2U1):c.155G>C (p.Arg52Pro)

Genes: CYP2U1 (cytochrome P450 family 2 subfamily U member 1; plus strand), CYP2U1-AS1 (CYP2U1 and SGMS2 antisense RNA 1; minus strand). Cytogenetic location: 4q25.
Variant type: single nucleotide variant.
Coding change: c.155G>C on transcript NM_183075.3 (MANE Select); coding-DNA position 155, G replaced by C.
Protein change: p.Arg52Pro; replaces arginine 52 with proline.
Molecular consequence: missense variant.
Genome position (GRCh38, 1-based): chr4:107,931,798, G>C. VCF-style: chr4-107931798-G-C. GRCh37 (hg19) VCF-style: chr4-108852954-G-C.
Other names: short protein forms R52P.
Identifiers: ClinVar variation 1913808 (VCV001913808.5), dbSNP rs779042395, ClinGen allele CA3036961.

ClinVar aggregate classification (germline): Uncertain significance (1 of 4 stars; one submission).

Conditions:
Spastic paraplegia. Identifiers: MedGen C0037772, HP:0001258.

Allele frequency attached by ClinVar (database versions not stated): TOPMed below 0.00001; ExAC 0.00038.
gnomAD v4.1: 1 of 1,512,900 alleles (0.000066%); highest among the groups gnomAD compares: African/African-American, 0.0014%; no homozygotes.

Submission:

Labcorp Genetics (formerly Invitae), Labcorp
Classification: Uncertain significance for Spastic paraplegia. Last evaluated: 2023-12-06. Review status: criteria provided, single submitter. Criteria: Invitae Variant Classification Sherloc (09022015). Collection method: clinical testing. Allele origin: germline.
Comment: This sequence change replaces arginine, which is basic and polar, with proline, which is neutral and non-polar, at codon 52 of the CYP2U1 protein (p.Arg52Pro). This variant is present in population databases (rs779042395, gnomAD 0.02%). This variant has not been reported in the literature in individuals affected with CYP2U1-related conditions. ClinVar contains an entry for this variant (Variation ID: 1913808). Advanced modeling of protein sequence and biophysical properties (such as structural, functional, and spatial information, amino acid conservation, physicochemical variation, residue mobility, and thermodynamic stability) performed at Invitae indicates that this missense variant is not expected to disrupt CYP2U1 protein function with a negative predictive value of 95%. In summary, the available evidence is currently insufficient to determine the role of this variant in disease. Therefore, it has been classified as a Variant of Uncertain Significance.